The following is an entry in ClinVar:

NM_000038.6(APC):c.6204G>A (p.Met2068Ile)

Gene: APC (APC regulator of Wnt signaling pathway; plus strand). Cytogenetic location: 5q22.2.
Variant type: single nucleotide variant.
Coding change: c.6204G>A on transcript NM_000038.6 (MANE Select); coding-DNA position 6204, G replaced by A.
Protein change: p.Met2068Ile; replaces methionine 2068 with isoleucine.
Molecular consequence: missense variant.
Genome position (GRCh38, 1-based): chr5:112,841,798, G>A. VCF-style: chr5-112841798-G-A. GRCh37 (hg19) VCF-style: chr5-112177495-G-A.
Other names: c.6204G>A, p.Met2068Ile (NM_001127510.3, NM_001354895.2); c.6150G>A, p.Met2050Ile (NM_001127511.3); c.6258G>A, p.Met2086Ile (NM_001354896.2); c.6234G>A, p.Met2078Ile (NM_001354897.2); c.6129G>A, p.Met2043Ile (NM_001354898.2); c.6120G>A, p.Met2040Ile (NM_001354899.2); c.6081G>A, p.Met2027Ile (NM_001354900.2); c.6027G>A, p.Met2009Ile (NM_001354901.2); and 5 more; short protein forms M1977I, M2078I, M1967I, M2068I, M1942I, M2009I, M2027I, M2040I.
Identifiers: ClinVar variation 826247 (VCV000826247.12), dbSNP rs1554087277, ClinGen allele CA16034921.

ClinVar aggregate classification (germline): Uncertain significance. Review status: criteria provided, multiple submitters, no conflicts (2 of 4 stars). 2 submissions from 2 submitters: Uncertain significance (2). Last evaluated 2021-11-05.

Conditions:
Hereditary cancer-predisposing syndrome. Also called: Neoplastic Syndromes, Hereditary; Tumor predisposition; Hereditary neoplastic syndrome; Hereditary Cancer Syndrome. Identifiers: Orphanet 140162, MedGen C0027672, MeSH D009386, MONDO:0015356.
Familial adenomatous polyposis 1 (FAP1). Also called: POLYPOSIS, ADENOMATOUS INTESTINAL; FAMILIAL ADENOMATOUS POLYPOSIS 1, ATTENUATED. Identifiers: MedGen C2713442, MONDO:0021056, OMIM 175100. Disease mechanism: loss of function.

Submissions (2):

Labcorp Genetics (formerly Invitae), Labcorp
Classification: Uncertain significance for Familial adenomatous polyposis 1. Last evaluated: 2021-11-05. Review status: criteria provided, single submitter. Criteria: Invitae Variant Classification Sherloc (09022015). Collection method: clinical testing. Allele origin: germline.
Comment: In summary, the available evidence is currently insufficient to determine the role of this variant in disease. Therefore, it has been classified as a Variant of Uncertain Significance. Algorithms developed to predict the effect of missense changes on protein structure and function (SIFT, PolyPhen-2, Align-GVGD) all suggest that this variant is likely to be tolerated. ClinVar contains an entry for this variant (Variation ID: 826247). This variant has not been reported in the literature in individuals affected with APC-related conditions. This variant is not present in population databases (gnomAD no frequency). This sequence change replaces methionine, which is neutral and non-polar, with isoleucine, which is neutral and non-polar, at codon 2068 of the APC protein (p.Met2068Ile).

Ambry Genetics
Classification: Uncertain significance for Hereditary cancer-predisposing syndrome. Last evaluated: 2019-11-11. Review status: criteria provided, single submitter. Criteria: Ambry Variant Classification Scheme 2023. Collection method: clinical testing. Allele origin: germline.
Comment: The p.M2068I variant (also known as c.6204G>A), located in coding exon 15 of the APC gene, results from a G to A substitution at nucleotide position 6204. The methionine at codon 2068 is replaced by isoleucine, an amino acid with highly similar properties. This amino acid position is not well conserved in available vertebrate species. In addition, in silico predictors for this gene do not accurately predict pathogenicity. Since supporting evidence is limited at this time, the clinical significance of this alteration remains unclear.